The following is an entry in ClinVar:

NM_020778.5(ALPK3):c.1486A>G (p.Ser496Gly)

Genes: ALPK3 (alpha kinase 3; plus strand), LOC111718493 (skeletal muscle cis-regulatory module overlapping ALPK3; plus strand). Cytogenetic location: 15q25.3.
Variant type: single nucleotide variant.
Coding change: c.1486A>G on transcript NM_020778.5 (MANE Select); coding-DNA position 1486, A replaced by G.
Protein change: p.Ser496Gly; replaces serine 496 with glycine.
Molecular consequence: missense variant.
Genome position (GRCh38, 1-based): chr15:84,840,765, A>G. VCF-style: chr15-84840765-A-G. GRCh37 (hg19) VCF-style: chr15-85383996-A-G.
Other names: c.2092A>G (NM_020778.4); short protein forms S496G.
Identifiers: ClinVar variation 1380989 (VCV001380989.7), dbSNP rs2141557307, ClinGen allele CA393375726.

ClinVar aggregate classification (germline): Uncertain significance. Review status: criteria provided, multiple submitters, no conflicts (2 of 4 stars). 2 submissions from 2 submitters: Uncertain significance (2). Last evaluated 2025-10-03.

Conditions:
Cardiovascular phenotype. Identifiers: MedGen CN230736.

gnomAD v4.1: 2 of 1,614,250 alleles (0.00012%); highest among the groups gnomAD compares: Admixed American, 0.0017%; no homozygotes.

Submissions (2):

Labcorp Genetics (formerly Invitae), Labcorp
Classification: Uncertain significance. Last evaluated: 2025-10-03. Review status: criteria provided, single submitter. Criteria: Invitae Variant Classification Sherloc (09022015). Collection method: clinical testing. Allele origin: germline.
Comment: This sequence change replaces serine, which is neutral and polar, with glycine, which is neutral and non-polar, at codon 698 of the ALPK3 protein (p.Ser698Gly). This variant is not present in population databases (gnomAD no frequency). This variant has not been reported in the literature in individuals affected with ALPK3-related conditions. ClinVar contains an entry for this variant (Variation ID: 1380989). Invitae Evidence Modeling of protein sequence and biophysical properties (such as structural, functional, and spatial information, amino acid conservation, physicochemical variation, residue mobility, and thermodynamic stability) indicates that this missense variant is not expected to disrupt ALPK3 protein function with a negative predictive value of 80%. In summary, the available evidence is currently insufficient to determine the role of this variant in disease. Therefore, it has been classified as a Variant of Uncertain Significance.

Ambry Genetics
Classification: Uncertain significance for Cardiovascular phenotype. Last evaluated: 2025-03-26. Review status: criteria provided, single submitter. Criteria: Ambry Variant Classification Scheme 2023. Collection method: clinical testing. Allele origin: germline.